The following is an entry in ClinVar:

NM_000619.3(IFNG):c.115-3del

Gene: IFNG (interferon gamma; minus strand). Cytogenetic location: 12q15.
Variant type: Deletion.
Coding change: c.115-3del on transcript NM_000619.3 (MANE Select); 3 bases into the intron before coding-DNA position 115, one base deleted (T; older notation c.115-3delT).
Molecular consequence: intron variant.
Genome position (GRCh38, 1-based): chr12:68,158,262, A deleted on the plus strand (T on the coding strand, the reverse complement: IFNG is on the minus strand); the first of 13 consecutive A bases (chr12:68,158,262-68,158,274); deleting any one gives the same sequence. VCF-style (leftmost placement, unchanged base first): chr12-68158261-TA-T. GRCh37 (hg19) VCF-style: chr12-68552041-TA-T.
Identifiers: ClinVar variation 402962 (VCV000402962.6), dbSNP rs2234686, ClinGen allele CA6675902.

ClinVar aggregate classification (germline): Benign. Review status: criteria provided, multiple submitters, no conflicts (2 of 4 stars). 3 submissions from 3 submitters: Benign (3). Last evaluated 2021-08-10.

Conditions:
Immunodeficiency 69. Also called: IMMUNODEFICIENCY 69, MYCOBACTERIOSIS, AUTOSOMAL RECESSIVE; IFNG DEFICIENCY, AUTOSOMAL RECESSIVE. Identifiers: Orphanet 699618, MedGen C5436498, MONDO:0033541, OMIM 618963.

Submissions (3):

Genome-Nilou Lab
Classification: Benign for Immunodeficiency 69. Last evaluated: 2021-08-10. Review status: criteria provided, single submitter. Criteria: ACMG Guidelines, 2015. Collection method: clinical testing. Allele origin: germline. Affected: no.

GeneDx
Classification: Benign. Last evaluated: 2021-06-09. Review status: criteria provided, single submitter. Criteria: GeneDx Variant Classification Process June 2021. Collection method: clinical testing. Allele origin: germline. Affected: yes.

Laboratory for Molecular Medicine, Mass General Brigham Personalized Medicine
Classification: Benign. Last evaluated: 2016-03-28. Review status: criteria provided, single submitter. Criteria: LMM Criteria. Collection method: clinical testing. Allele origin: germline.
Comment: Variant identified in a genome or exome case(s) and assessed due to predicted null impact of the variant or pathogenic assertions in the literature or databases. Disclaimer: This variant has not undergone full assessment. The following are preliminary notes: Frequency